The following is an entry in ClinVar:

NM_020719.3(PRR12):c.1217_1224delinsGGGGGGGC (p.Pro406_Pro408delinsArgGlyGly)

Gene: PRR12 (proline rich 12; plus strand). Cytogenetic location: 19q13.33.
Variant type: Indel.
Coding change: c.1217_1224delinsGGGGGGGC on transcript NM_020719.3 (MANE Select); coding-DNA positions 1217 to 1224, CCCCCCCA replaced by GGGGGGGC.
Protein change: p.Pro406_Pro408delinsArgGlyGly.
Molecular consequence: missense variant.
Genome position (GRCh38, 1-based): chr19:49,595,552-49,595,559, CCCCCCCA replaced by GGGGGGGC. VCF-style: chr19-49595552-CCCCCCCA-GGGGGGGC. GRCh37 (hg19) VCF-style: chr19-50098809-CCCCCCCA-GGGGGGGC.
Identifiers: ClinVar variation 4074661 (VCV004074661.1).

ClinVar aggregate classification (germline): Uncertain significance (1 of 4 stars; one submission).

Submission:

GeneDx
Classification: Uncertain significance. Last evaluated: 2025-02-06. Review status: criteria provided, single submitter. Criteria: GeneDx Variant Classification Process June 2021. Collection method: clinical testing. Allele origin: germline. Affected: yes.
Comment: Not observed at significant frequency in large population cohorts (gnomAD); In silico analysis supports a deleterious effect on protein structure/function; Has not been previously published as pathogenic or benign to our knowledge